The following is an entry in ClinVar:

NM_001077207.4(SEC31A):c.511A>G (p.Ile171Val)

Gene: SEC31A (SEC31 homolog A, COPII coat complex component; minus strand). Cytogenetic location: 4q21.22.
Variant type: single nucleotide variant.
Coding change: c.511A>G on transcript NM_001077207.4 (MANE Select); coding-DNA position 511, A replaced by G.
Protein change: p.Ile171Val; replaces isoleucine 171 with valine.
Molecular consequence: missense variant.
Genome position (GRCh38, 1-based): chr4:82,874,739, T>C on the plus strand (A>G on the coding strand, the complement: SEC31A is on the minus strand). VCF-style: chr4-82874739-T-C. GRCh37 (hg19) VCF-style: chr4-83795892-T-C.
Other names: c.511A>G, p.Ile171Val (NM_001077206.4, NM_001077208.4, NM_001300744.3 and 48 more transcripts); c.496A>G, p.Ile166Val (NM_001191049.2, NM_001400212.1, NM_001400214.1); c.349A>G, p.Ile117Val (NM_001400215.1); c.37A>G, p.Ile13Val (NM_001400224.1); short protein forms I117V, I13V, I166V, I171V.
Identifiers: ClinVar variation 2637516 (VCV002637516.1), dbSNP rs146652244, ClinGen allele CA2986892.

ClinVar aggregate classification (germline): Uncertain significance (1 of 4 stars; one submission).

Allele frequency attached by ClinVar (database versions not stated): gnomAD exomes 0.00001; ExAC 0.00005; gnomAD 0.00009; TOPMed 0.00013; ESP Exome Variant Server 0.00015; 1000 Genomes Project 0.00020; 1000 Genomes Project 30x 0.00031.
gnomAD v4.1: 29 of 1,607,338 alleles (0.0018%); highest among the groups gnomAD compares: African/African-American, 0.039%; no homozygotes.

Submission:

Women's Health and Genetics/Laboratory Corporation of America, LabCorp
Classification: Uncertain significance. Last evaluated: 2023-10-27. Review status: criteria provided, single submitter. Criteria: LabCorp Variant Classification Summary - May 2015. Collection method: clinical testing. Allele origin: germline.
Comment: Variant summary: SEC31A c.511A>G (p.Ile171Val) results in a conservative amino acid change in the encoded protein sequence. Four of five in-silico tools predict a benign effect of the variant on protein function. The variant allele was found at a frequency of 4.5e-05 in 241892 control chromosomes (gnomAD). To our knowledge, no occurrence of c.511A>G in individuals affected with Neurodevelopmental Disorder With Spastic Quadriplegia, Optic Atrophy, Seizures, And Structural Brain Anomalies and no experimental evidence demonstrating its impact on protein function have been reported. No submitters have cited clinical-significance assessments for this variant to ClinVar after 2014. Based on the evidence outlined above, the variant was classified as uncertain significance.